The following is an entry in ClinVar:

ClinVar aggregate classification (germline): Conflicting classifications of pathogenicity. Review status: criteria provided, conflicting classifications (1 of 4 stars). 4 submissions from 4 submitters: Uncertain significance (2); Likely benign (2). Last evaluated 2025-11-01.

Conditions:
Cardiovascular phenotype. Identifiers: MedGen CN230736.
Autosomal recessive limb-girdle muscular dystrophy type 2J (LGMDR10). Also called: MUSCULAR DYSTROPHY, LIMB-GIRDLE, AUTOSOMAL RECESSIVE 10; Limb-girdle muscular dystrophy, type 2J. Identifiers: Orphanet 140922, MedGen C1837342, MONDO:0012127, OMIM 608807.
Dilated cardiomyopathy 1G (CMD1G). Identifiers: Orphanet 154, MedGen C1858763, MONDO:0011400, OMIM 604145.

Allele frequency attached by ClinVar (database versions not stated): ExAC 0.00001; gnomAD 0.00001; gnomAD exomes 0.00001 and 0.00003; TOPMed 0.00002.
gnomAD v4.1: 15 of 1,613,684 alleles (0.00093%); highest among the groups gnomAD compares: Admixed American, 0.0067%; no homozygotes.

Submissions (4):

CeGaT Center for Human Genetics Tuebingen
Classification: Likely benign. Last evaluated: 2025-11-01. Review status: criteria provided, single submitter. Criteria: CeGaT Center For Human Genetics Tuebingen Variant Classification Criteria Version 2. Collection method: clinical testing. Allele origin: germline. Affected: yes. Observed: 2 variant alleles.
Comment: TTN: BP4, BP7

Ambry Genetics
Classification: Likely benign for Cardiovascular phenotype. Last evaluated: 2019-11-28. Review status: criteria provided, single submitter. Criteria: Ambry Variant Classification Scheme 2023. Collection method: clinical testing. Allele origin: germline.

Labcorp Genetics (formerly Invitae), Labcorp
Classification: Uncertain significance for Dilated cardiomyopathy 1G; Autosomal recessive limb-girdle muscular dystrophy type 2J. Last evaluated: 2018-06-12. Review status: criteria provided, single submitter. Criteria: Invitae Variant Classification Sherloc (09022015). Collection method: clinical testing. Allele origin: germline.
Comment: This sequence change affects codon 27513 of the TTN mRNA. It is a 'silent' change, meaning that it does not change the encoded amino acid sequence of the TTN protein. This variant is present in population databases (rs775673876, ExAC 0.009%). This variant has not been reported in the literature in individuals with TTN-related disease. ClinVar contains an entry for this variant (Variation ID: 285106). This variant is located in the A band of TTN (PMID: 25589632). Variants in this region may be relevant for cardiac or neuromuscular disorders (PMID: 25589632, 23975875). Algorithms developed to predict the effect of sequence changes on RNA splicing suggest that this variant may create or strengthen a splice site, but this prediction has not been confirmed by published transcriptional studies. In summary, the available evidence is currently insufficient to determine the role of this variant in disease. Therefore, it has been classified as a Variant of Uncertain Significance.

Eurofins Ntd Llc (ga)
Classification: Uncertain significance. Last evaluated: 2015-12-09. Review status: criteria provided, single submitter. Criteria: EGL Classification Definitions 2015. Collection method: clinical testing. Allele origin: germline. Observed: 1 variant allele, 1 heterozygote.

Literature cited by the submitters: PubMed 25589632 (cited by Labcorp Genetics (formerly Invitae), Labcorp); PubMed 23975875 (cited by Labcorp Genetics (formerly Invitae), Labcorp).

NM_001267550.2(TTN):c.82539C>T (p.Gly27513=)

Genes: TTN (titin; minus strand), TTN-AS1 (TTN antisense RNA 1; plus strand). Cytogenetic location: 2q31.2.
Variant type: single nucleotide variant.
Coding change: c.82539C>T on transcript NM_001267550.2 (MANE Select); coding-DNA position 82539, C replaced by T.
Protein change: p.Gly27513=; no amino-acid change (glycine 27513 retained).
Molecular consequence: synonymous variant.
Genome position (GRCh38, 1-based): chr2:178,563,593, G>A on the plus strand (C>T on the coding strand, the complement: TTN is on the minus strand). VCF-style: chr2-178563593-G-A. GRCh37 (hg19) VCF-style: chr2-179428320-G-A.
Other names: c.77616C>T, p.Gly25872= (NM_001256850.1); c.55344C>T, p.Gly18448= (NM_003319.4); c.74835C>T, p.Gly24945= (NM_133378.4); c.55719C>T, p.Gly18573= (NM_133432.3); c.55920C>T, p.Gly18640= (NM_133437.4).
Identifiers: ClinVar variation 285106 (VCV000285106.14), dbSNP rs775673876, ClinGen allele CA1989057.